The following is an entry in ClinVar:

NM_080646.2(TBX1):c.1019T>A (p.Val340Asp)

Gene: TBX1 (T-box transcription factor 1; plus strand). Cytogenetic location: 22q11.21.
Variant type: single nucleotide variant.
Coding change: c.1019T>A on transcript NM_080646.2; coding-DNA position 1019, T replaced by A.
Protein change: p.Val340Asp; replaces valine 340 with aspartic acid.
Molecular consequence: missense variant. On other transcripts: intron variant (1).
Genome position (GRCh38, 1-based): chr22:19,779,229, T>A. VCF-style: chr22-19779229-T-A. GRCh37 (hg19) VCF-style: chr22-19766752-T-A.
Other names: c.1010-3684T>A (NM_005992.1); short protein forms V340D.
Identifiers: ClinVar variation 2635123 (VCV002635123.1), dbSNP rs140123922, ClinGen allele CA10102816.
Genomic context (GRCh38, chr22:19,779,229, plus strand): 5'-ACCTCTGACATGGTACTTCATCCACTCTCATTGGATGGGGTTGTCACCCAGGTGGACATG[T>A]CCTGAAGGACAAGGAAGTGAAAGCTGAGACGTCTAGGAACACACCAGAGAGAGAAGTGGA-3'

ClinVar aggregate classification (germline): Uncertain significance (1 of 4 stars; one submission).

Conditions:
TBX1-related disorder. Also called: TBX1-Related Disorders; TBX1-related condition.

Allele frequency attached by ClinVar (database versions not stated): gnomAD exomes 0.00003; ESP Exome Variant Server 0.00015; ExAC 0.00002; gnomAD 0.00001.
gnomAD v4.1: 42 of 1,614,086 alleles (0.0026%); highest among the groups gnomAD compares: Non-Finnish European, 0.0035%; no homozygotes.

Submission:

PreventionGenetics, part of Exact Sciences
Classification: Uncertain significance for TBX1-related condition. Last evaluated: 2023-08-16. Review status: criteria provided, single submitter. Criteria: ACMG Guidelines, 2015. Collection method: clinical testing. Allele origin: germline.
Comment: The TBX1 c.1019T>A variant is predicted to result in the amino acid substitution p.Val340Asp. To our knowledge, this variant has not been reported in the literature. This variant is reported in 0.0026% of alleles in individuals of European (Non-Finnish) descent in gnomAD. At this time, the clinical significance of this variant is uncertain due to the absence of conclusive functional and genetic evidence.